The following is an entry in ClinVar:

ClinVar aggregate classification (germline): Benign/Likely benign. Review status: criteria provided, multiple submitters, no conflicts (2 of 4 stars). 7 submissions from 7 submitters: Benign (1); Likely benign (3). 3 of the submissions do not count toward it. Last evaluated 2026-06-01.

Conditions:
VPS13D-related disorder. Also called: VPS13D-related condition.

Allele frequency attached by ClinVar (database versions not stated): 1000 Genomes Project 30x 0.00141; 1000 Genomes Project 0.00160; TOPMed 0.00178; ExAC 0.00212; gnomAD exomes 0.00219 and 0.00316; gnomAD 0.00238 and 0.00239; ESP Exome Variant Server 0.00315.
gnomAD v4.1: 4,988 of 1,614,136 alleles (0.31%); highest among the groups gnomAD compares: Middle Eastern, 0.36%; 20 homozygotes.

Submissions (7):

CeGaT Center for Human Genetics Tuebingen
Classification: Likely benign. Last evaluated: 2026-06-01. Review status: criteria provided, single submitter. Criteria: CeGaT Center For Human Genetics Tuebingen Variant Classification Criteria Version 2. Collection method: clinical testing. Allele origin: germline. Affected: yes. Observed: 18 variant alleles.
Comment: VPS13D: BP4, BS2

Labcorp Genetics (formerly Invitae), Labcorp
Classification: Likely benign. Last evaluated: 2026-01-12. Review status: criteria provided, single submitter. Criteria: Invitae Variant Classification Sherloc (09022015). Collection method: clinical testing. Allele origin: germline.

Blueprint Genetics
Classification: Likely benign. Last evaluated: 2024-11-01. Review status: criteria provided, single submitter. Criteria: ACMG Guidelines, 2015. Collection method: clinical testing. Allele origin: germline.

Mayo Clinic Laboratories, Mayo Clinic
Classification: Benign. Last evaluated: 2023-05-30. Review status: criteria provided, single submitter. Criteria: ACMG Guidelines, 2015. Collection method: clinical testing. Allele origin: germline. Observed: 9 variant alleles.
Comment: BS1, BS2, BP4

PreventionGenetics, part of Exact Sciences
Classification: Likely benign for VPS13D-related condition. Last evaluated: 2023-10-09. Review status: no assertion criteria provided. Collection method: clinical testing. Allele origin: germline. Not counted in ClinVar's aggregate classification.
Comment: This variant is classified as likely benign based on ACMG/AMP sequence variant interpretation guidelines (Richards et al. 2015 PMID: 25741868, with internal and published modifications).

Clinical Genetics DNA and cytogenetics Diagnostics Lab, Erasmus MC, Erasmus Medical Center
Classification: Likely benign. Review status: no assertion criteria provided. Collection method: clinical testing. Allele origin: germline. Affected: yes. Study: VKGL Data-share Consensus. Not counted in ClinVar's aggregate classification.

Diagnostic Laboratory, Department of Genetics, University Medical Center Groningen
Classification: Likely benign. Review status: no assertion criteria provided. Collection method: clinical testing. Allele origin: germline. Affected: yes. Study: VKGL Data-share Consensus. Not counted in ClinVar's aggregate classification.

NM_015378.4(VPS13D):c.7294C>T (p.Arg2432Cys)

Gene: VPS13D (vacuolar protein sorting 13 homolog D; plus strand). Cytogenetic location: 1p36.22.
Variant type: single nucleotide variant.
Coding change: c.7294C>T on transcript NM_015378.4 (MANE Select); coding-DNA position 7294, C replaced by T.
Protein change: p.Arg2432Cys; replaces arginine 2432 with cysteine.
Molecular consequence: missense variant.
Genome position (GRCh38, 1-based): chr1:12,318,217, C>T. VCF-style: chr1-12318217-C-T. GRCh37 (hg19) VCF-style: chr1-12378274-C-T.
Other names: p.Arg2432Cys; c.7294C>T, p.Arg2432Cys (NM_018156.4); c.7294C>T (NM_015378.3); short protein forms R2432C.
Identifiers: ClinVar variation 73087 (VCV000073087.53), dbSNP rs150598243, ClinGen allele CA602802.